The following is an entry in ClinVar:

ClinVar aggregate classification (germline): Uncertain significance. Review status: criteria provided, multiple submitters, no conflicts (2 of 4 stars). 2 submissions from 2 submitters: Uncertain significance (2). Last evaluated 2024-07-23.

Allele frequency attached by ClinVar (database versions not stated): gnomAD exomes below 0.00001; TOPMed below 0.00001; gnomAD 0.00001.
gnomAD v4.1: 2 of 1,613,308 alleles (0.00012%); highest among the groups gnomAD compares: Admixed American, 0.0033%; no homozygotes.

Submissions (2):

GeneDx
Classification: Uncertain significance. Last evaluated: 2024-07-23. Review status: criteria provided, single submitter. Criteria: GeneDx Variant Classification Process June 2021. Collection method: clinical testing. Allele origin: germline. Affected: yes.
Comment: Not observed at significant frequency in large population cohorts (gnomAD); In silico analysis supports that this missense variant has a deleterious effect on protein structure/function; Has not been previously published as pathogenic or benign to our knowledge; This variant is associated with the following publications: (PMID: 25240749)

Labcorp Genetics (formerly Invitae), Labcorp
Classification: Uncertain significance. Last evaluated: 2024-06-17. Review status: criteria provided, single submitter. Criteria: Invitae Variant Classification Sherloc (09022015). Collection method: clinical testing. Allele origin: germline.
Comment: This sequence change replaces glycine, which is neutral and non-polar, with serine, which is neutral and polar, at codon 1471 of the COL11A1 protein (p.Gly1471Ser). This variant is not present in population databases (gnomAD no frequency). This variant has not been reported in the literature in individuals affected with COL11A1-related conditions. ClinVar contains an entry for this variant (Variation ID: 387931). Advanced modeling of protein sequence and biophysical properties (such as structural, functional, and spatial information, amino acid conservation, physicochemical variation, residue mobility, and thermodynamic stability) performed at Invitae indicates that this missense variant is expected to disrupt COL11A1 protein function with a positive predictive value of 80%. In summary, the available evidence is currently insufficient to determine the role of this variant in disease. Therefore, it has been classified as a Variant of Uncertain Significance.

NM_001854.4(COL11A1):c.4411G>A (p.Gly1471Ser)

Gene: COL11A1 (collagen type XI alpha 1 chain; minus strand). Cytogenetic location: 1p21.1.
Variant type: single nucleotide variant.
Coding change: c.4411G>A on transcript NM_001854.4 (MANE Select); coding-DNA position 4411, G replaced by A.
Protein change: p.Gly1471Ser; replaces glycine 1471 with serine.
Molecular consequence: missense variant. On other transcripts: non-coding transcript variant (1).
Genome position (GRCh38, 1-based): chr1:102,889,508, C>T on the plus strand (G>A on the coding strand, the complement: COL11A1 is on the minus strand). VCF-style: chr1-102889508-C-T. GRCh37 (hg19) VCF-style: chr1-103355064-C-T.
Other names: c.4294G>A, p.Gly1432Ser (NM_001190709.2); c.4447G>A, p.Gly1483Ser (NM_080629.3); c.4063G>A, p.Gly1355Ser (NM_080630.4); short protein forms G1471S, G1483S, G1355S, G1432S.
Identifiers: ClinVar variation 387931 (VCV000387931.6), dbSNP rs1057522949, ClinGen allele CA16603372.
Genomic context (GRCh38, chr1:102,889,508, plus strand): 5'-TACTCACCCCATCCCCTTTTGCTCCTGGAGATCCTTGAGTTCCAGGGAGCCCTCGGTCAC[C>T]TTTTTCCCCTTGTTCTCCTGGAGGACCAATCAGGCCAATTAAACCAGGATGTCCCTTTGA-3'
Protein context (NP_001845.3, residues 1461-1481): IGPPGEQGEK[Gly1471Ser]DRGLPGTQGS